The following is an entry in ClinVar:

NM_001083116.3(PRF1):c.941_948delinsA (p.Leu314fs)

Gene: PRF1 (perforin 1; minus strand). Cytogenetic location: 10q22.1.
Variant type: Indel.
Coding change: c.941_948delinsA on transcript NM_001083116.3 (MANE Select); coding-DNA positions 941 to 948, TGCTGTTC replaced by A.
Protein change: p.Leu314fs; shifts the reading frame from leucine 314.
Molecular consequence: frameshift variant.
Genome position (GRCh38, 1-based): chr10:70,598,773-70,598,780, GAACAGCA replaced by T on the plus strand (TGCTGTTC replaced by A on the coding strand, the reverse complement: PRF1 is on the minus strand). VCF-style: chr10-70598773-GAACAGCA-T. GRCh37 (hg19) VCF-style: chr10-72358529-GAACAGCA-T.
Other names: c.941_948delinsA, p.Leu314fs (NM_005041.6); short protein forms L314fs.
Identifiers: ClinVar variation 2678062 (VCV002678062.2), dbSNP rs2493484050, ClinGen allele CA2695199507.
Genomic context (GRCh38, chr10:70,598,773, plus strand): 5'-AGGGCTGCCGGGCAGCGAGTTTACCCAGGCTGAGTACTGCTCGGGCCCGGCCTGGATCCC[GAACAGCA>T]GGTCGTTAATGGAGGTGTGATGGCCGCCAACCACTTCCGAGTGGCGCTCCCGGTAGGTTT-3'

ClinVar aggregate classification (germline): Pathogenic. Review status: criteria provided, multiple submitters, no conflicts (2 of 4 stars). 2 submissions from 2 submitters: Pathogenic (2). Last evaluated 2025-10-20.

Conditions:
Aplastic anemia. Identifiers: Orphanet 182040, Orphanet 88, MedGen C0002874, MONDO:0015909, OMIM 609135, HP:0001915.
Familial hemophagocytic lymphohistiocytosis (FHL). Also called: Familial erythrophagocytic lymphohistiocytosis; Familial histiocytic reticulosis; Hereditary hemophagocytic lymphohistiocytosis. Identifiers: Orphanet 158038, Orphanet 540, MedGen C0272199, MONDO:0015541.

Submissions (2):

Women's Health and Genetics/Laboratory Corporation of America, LabCorp
Classification: Pathogenic for Familial hemophagocytic lymphohistiocytosis. Last evaluated: 2025-10-20. Review status: criteria provided, single submitter. Criteria: LabCorp Variant Classification Summary - May 2015. Collection method: clinical testing. Allele origin: germline.
Comment: Variant summary: PRF1 c.941_948delinsA (p.Leu314GlnfsX14) results in a premature termination codon, predicted to cause a truncation of the encoded protein. The variant was absent in 251454 control chromosomes (gnomAD). c.941_948delinsA has been observed in at least individual affected with Familial Hemophagocytic Lymphohistiocytosis (Abdalgani_2015). To our knowledge, no experimental evidence demonstrating an impact on protein function has been reported. The following publication have been ascertained in the context of this evaluation (PMID: 26450956). ClinVar contains an entry for this variant (Variation ID: 2678062). Based on the evidence outlined above, the variant was classified as pathogenic.

Baylor Genetics
Classification: Pathogenic for Aplastic anemia. Last evaluated: 2022-11-23. Review status: criteria provided, single submitter. Criteria: ACMG Guidelines, 2015. Collection method: clinical testing. Allele origin: unknown.

Literature cited by the submitters: PubMed 26450956 (cited by Women's Health and Genetics/Laboratory Corporation of America, LabCorp).